The following is an entry in ClinVar:

NM_017433.5(MYO3A):c.288G>A (p.Leu96=)

Gene: MYO3A (myosin IIIA; plus strand). Cytogenetic location: 10p12.1.
Variant type: single nucleotide variant.
Coding change: c.288G>A on transcript NM_017433.5 (MANE Select); coding-DNA position 288, G replaced by A.
Protein change: p.Leu96=; no amino-acid change (leucine 96 retained).
Molecular consequence: synonymous variant.
Genome position (GRCh38, 1-based): chr10:25,954,993, G>A. VCF-style: chr10-25954993-G-A. GRCh37 (hg19) VCF-style: chr10-26243922-G-A.
Other names: c.288G>A, p.Leu96= (NM_001368265.1).
Identifiers: ClinVar variation 227664 (VCV000227664.4), dbSNP rs760525102, ClinGen allele CA5444244.

ClinVar aggregate classification (germline): Likely benign (1 of 4 stars; one submission).

Allele frequency attached by ClinVar (database versions not stated): ExAC 0.00001; gnomAD exomes 0.00001.
gnomAD v4.1: 4 of 1,613,004 alleles (0.00025%); highest among the groups gnomAD compares: Non-Finnish European, 0.00025%; no homozygotes.

Submission:

Laboratory for Molecular Medicine, Mass General Brigham Personalized Medicine
Classification: Likely benign. Last evaluated: 2015-11-16. Review status: criteria provided, single submitter. Criteria: LMM Criteria. Collection method: clinical testing. Allele origin: germline. Observed: 1 variant allele.
Comment: p.Leu96Leu in exon 4 of MYO3A: This variant is not expected to have clinical sig nificance because it does not alter an amino acid residue and it is not located within the splice consensus sequence. It has been identified in 1/66700 Europea n chromosomes by the Exome Aggregation Consortium (ExAC).